The following is an entry in ClinVar:

ClinVar aggregate classification (germline): Uncertain significance. Review status: criteria provided, multiple submitters, no conflicts (2 of 4 stars). 2 submissions from 2 submitters: Uncertain significance (2). Last evaluated 2025-08-30.

Conditions:
Developmental and epileptic encephalopathy. Identifiers: MedGen C5779964, MONDO:0100620.
Inborn genetic diseases. Identifiers: MedGen C0950123, MeSH D030342.

Allele frequency attached by ClinVar (database versions not stated): TOPMed 0.00001.
gnomAD v4.1: 1 of 1,614,130 alleles (0.000062%); highest among the groups gnomAD compares: Admixed American, 0.0017%; no homozygotes.

Submissions (2):

Ambry Genetics
Classification: Uncertain significance for Inborn genetic diseases. Last evaluated: 2025-08-30. Review status: criteria provided, single submitter. Criteria: Ambry Variant Classification Scheme 2023. Collection method: clinical testing. Allele origin: germline.

Labcorp Genetics (formerly Invitae), Labcorp
Classification: Uncertain significance for Early-infantile DEE. Last evaluated: 2022-05-25. Review status: criteria provided, single submitter. Criteria: Invitae Variant Classification Sherloc (09022015). Collection method: clinical testing. Allele origin: germline.
Comment: This sequence change replaces arginine, which is basic and polar, with leucine, which is neutral and non-polar, at codon 8 of the ST3GAL3 protein (p.Arg8Leu). This variant is present in population databases (no rsID available, gnomAD 0.003%). This variant has not been reported in the literature in individuals affected with ST3GAL3-related conditions. Algorithms developed to predict the effect of missense changes on protein structure and function are either unavailable or do not agree on the potential impact of this missense change (SIFT: "Deleterious"; PolyPhen-2: "Not Available"; Align-GVGD: "Class C0"). In summary, the available evidence is currently insufficient to determine the role of this variant in disease. Therefore, it has been classified as a Variant of Uncertain Significance.

NM_006279.5(ST3GAL3):c.23G>T (p.Arg8Leu)

Gene: ST3GAL3 (ST3 beta-galactoside alpha-2,3-sialyltransferase 3; plus strand). Cytogenetic location: 1p34.1.
Variant type: single nucleotide variant.
Coding change: c.23G>T on transcript NM_006279.5 (MANE Select); coding-DNA position 23, G replaced by T.
Protein change: p.Arg8Leu; replaces arginine 8 with leucine.
Molecular consequence: missense variant. On other transcripts: 5 prime UTR variant (1), non-coding transcript variant (8).
Genome position (GRCh38, 1-based): chr1:43,736,285, G>T. VCF-style: chr1-43736285-G-T. GRCh37 (hg19) VCF-style: chr1-44201956-G-T.
Other names: c.23G>T, p.Arg8Leu (NM_001270459.2, NM_001270460.2, NM_001270461.3 and 18 more transcripts); c.-431G>T (NM_001350621.2); c.23G>T (NM_006279.2); short protein forms R8L.
Identifiers: ClinVar variation 2167691 (VCV002167691.2), dbSNP rs900948973, ClinGen allele CA340030546.